The following is an entry in ClinVar:

NM_152594.3(SPRED1):c.122G>A (p.Ser41Asn)

Gene: SPRED1 (sprouty related EVH1 domain containing 1; plus strand). Cytogenetic location: 15q14.
Variant type: single nucleotide variant.
Coding change: c.122G>A on transcript NM_152594.3 (MANE Select); coding-DNA position 122, G replaced by A.
Protein change: p.Ser41Asn; replaces serine 41 with asparagine.
Molecular consequence: missense variant.
Genome position (GRCh38, 1-based): chr15:38,299,462, G>A. VCF-style: chr15-38299462-G-A. GRCh37 (hg19) VCF-style: chr15-38591663-G-A.
Other names: short protein forms S41N.
Identifiers: ClinVar variation 4843975 (VCV004843975.1).
Genomic context (GRCh38, chr15:38,299,462, plus strand): 5'-TGATGACCCGAGATGACTCAAGTGGTGGATGGTTACCACTTGGAGGGAGTGGACTAAGCA[G>A]CGTCACTGTCTTCAAAGTCCCTCATCAGGAAGAGAATGGCTGTGCTGACTTTTTTATCCG-3'
Protein context (NP_689807.1, residues 31-51): WLPLGGSGLS[Ser41Asn]VTVFKVPHQE

ClinVar aggregate classification (germline): Uncertain significance (1 of 4 stars; one submission).

Conditions:
Cardiovascular phenotype. Identifiers: MedGen CN230736.

Submission:

Ambry Genetics
Classification: Uncertain significance for Cardiovascular phenotype. Last evaluated: 2026-01-06. Review status: criteria provided, single submitter. Criteria: Ambry Variant Classification Scheme 2023. Collection method: clinical testing. Allele origin: germline.
Comment: The p.S41N variant (also known as c.122G>A), located in coding exon 2 of the SPRED1 gene, results from a G to A substitution at nucleotide position 122. The serine at codon 41 is replaced by asparagine, an amino acid with highly similar properties. This amino acid position is conserved. In addition, this alteration is predicted to be tolerated by in silico analysis. Based on the available evidence, the clinical significance of this variant remains unclear.